The following is an entry in ClinVar:

NM_001378454.1(ALMS1):c.8723C>T (p.Pro2908Leu)

Gene: ALMS1 (ALMS1 centrosome and basal body associated protein; plus strand). Cytogenetic location: 2p13.1.
Variant type: single nucleotide variant.
Coding change: c.8723C>T on transcript NM_001378454.1 (MANE Select); coding-DNA position 8723, C replaced by T.
Protein change: p.Pro2908Leu; replaces proline 2908 with leucine.
Molecular consequence: missense variant.
Genome position (GRCh38, 1-based): chr2:73,490,682, C>T. VCF-style: chr2-73490682-C-T. GRCh37 (hg19) VCF-style: chr2-73717809-C-T.
Other names: c.8726C>T, p.Pro2909Leu (NM_015120.4); short protein forms P2909L, P2908L.
Identifiers: ClinVar variation 657660 (VCV000657660.10), dbSNP rs537639125, ClinGen allele CA1714527.

ClinVar aggregate classification (germline): Uncertain significance. Review status: criteria provided, single submitter (1 of 4 stars). 2 submissions from 2 submitters: Uncertain significance (1). 1 of the submissions does not count toward it. Last evaluated 2022-03-18.

Conditions:
Alstrom syndrome (ALMS). Identifiers: Orphanet 64, MedGen C0268425, MONDO:0008763, OMIM 203800.

Allele frequency attached by ClinVar (database versions not stated): gnomAD exomes below 0.00001 and 0.00001; gnomAD 0.00001 and 0.00002; TOPMed 0.00001; ExAC 0.00002; 1000 Genomes Project 0.00020.
gnomAD v4.1: 4 of 1,614,120 alleles (0.00025%); highest among the groups gnomAD compares: East Asian, 0.0089%; no homozygotes.

Submissions (2):

Labcorp Genetics (formerly Invitae), Labcorp
Classification: Uncertain significance for Alstrom syndrome. Last evaluated: 2022-03-18. Review status: criteria provided, single submitter. Criteria: Invitae Variant Classification Sherloc (09022015). Collection method: clinical testing. Allele origin: germline.
Comment: This sequence change replaces proline, which is neutral and non-polar, with leucine, which is neutral and non-polar, at codon 2909 of the ALMS1 protein (p.Pro2909Leu). The frequency data for this variant in the population databases is considered unreliable, as metrics indicate poor data quality at this position in the gnomAD database. This variant has not been reported in the literature in individuals affected with ALMS1-related conditions. ClinVar contains an entry for this variant (Variation ID: 657660). In summary, the available evidence is currently insufficient to determine the role of this variant in disease. Therefore, it has been classified as a Variant of Uncertain Significance.

Natera, Inc.
Classification: Uncertain significance for Alstrom syndrome. Last evaluated: 2020-08-27. Review status: no assertion criteria provided. Collection method: clinical testing. Allele origin: germline. Not counted in ClinVar's aggregate classification.